The following is an entry in ClinVar:

NM_000260.4(MYO7A):c.2506dup (p.Arg836fs)

Gene: MYO7A (myosin VIIA; plus strand). Cytogenetic location: 11q13.5.
Variant type: Duplication.
Coding change: c.2506dup on transcript NM_000260.4 (MANE Select); coding-DNA position 2506, one base duplicated (C; older notation c.2506dupC).
Protein change: p.Arg836fs; shifts the reading frame from arginine 836.
Molecular consequence: frameshift variant.
Genome position (GRCh38, 1-based): chr11:77,179,873, C duplicated; the last of 2 consecutive C bases (chr11:77,179,872-77,179,873); duplicating either gives the same sequence. VCF-style (leftmost placement, unchanged base first): chr11-77179871-A-AC. GRCh37 (hg19) VCF-style: chr11-76890917-A-AC.
Other names: c.2506dup, p.Arg836fs (NM_001127180.2); c.2473dup, p.Arg825fs (NM_001369365.1); short protein forms R825fs, R836fs.
Identifiers: ClinVar variation 5011793 (VCV005011793.1).
Genomic context (GRCh38, chr11:77,179,871, plus strand): 5'-AGCGCATCATCCAGTTCCAGGCCCGCTGCCGCGCCTATCTGGTGCGCAAGGCCTTCCGCC[A>AC]CCGCCTCTGGGCTGTGCTCACCGTGCAGGCCTATGCCCGGGGCATGATCGCCCGCAGGCT-3'

ClinVar aggregate classification (germline): Pathogenic (1 of 4 stars; one submission).

Conditions:
Usher syndrome type 1 (USH1). Also called: RETINITIS PIGMENTOSA AND CONGENITAL DEAFNESS. Identifiers: Orphanet 231169, Orphanet 886, MedGen C1568247, MONDO:0010168, OMIM 276900.

Submission:

Myriad Genetics, Inc.
Classification: Pathogenic for Usher syndrome type 1. Last evaluated: 2023-09-27. Review status: criteria provided, single submitter. Criteria: Myriad Autosomal Dominant, Autosomal Recessive and X-Linked Classification Criteria (2023). Collection method: clinical testing. Allele origin: unknown.
Comment: NM_000260.3(MYO7A):c.2506dupC(R836Pfs*27) is expected to be pathogenic in the context of MYO7A-related disorders. This variant is predicted to lead to an abnormal or absent protein product due to the creation of a premature termination codon in MYO7A, a gene where loss-of-function variants are known to be pathogenic. Please note: this variant was assessed in the context of healthy population screening.